The following is an entry in ClinVar:

ClinVar aggregate classification (germline): Conflicting classifications of pathogenicity. Review status: criteria provided, conflicting classifications (1 of 4 stars). 2 submissions from 2 submitters: Uncertain significance (1); Benign (1). Last evaluated 2025-03-27.

Conditions:
KMT2D-related disorder. Also called: KMT2D-Related Disorders.
Kabuki syndrome. Also called: Kabuki make-up syndrome; NIIKAWA-KUROKI SYNDROME. Identifiers: Orphanet 2322, MedGen C0796004, MONDO:0016512.

Allele frequency attached by ClinVar (database versions not stated): ExAC 0.00002; gnomAD exomes 0.00002; gnomAD 0.00003 and 0.00004; TOPMed 0.00003; ESP Exome Variant Server 0.00008.
gnomAD v4.1: 16 of 1,613,846 alleles (0.00099%); highest among the groups gnomAD compares: African/African-American, 0.0093%; no homozygotes.

Submissions (2):

PreventionGenetics, part of Exact Sciences
Classification: Uncertain significance for KMT2D-related condition. Last evaluated: 2025-03-27. Review status: criteria provided, single submitter. Criteria: ACMG Guidelines, 2015. Collection method: clinical testing. Allele origin: germline.
Comment: The KMT2D c.12085G>A variant is predicted to result in the amino acid substitution p.Val4029Ile. To our knowledge, this variant has not been reported in the literature. This variant is reported in 0.0083% of alleles in individuals of African descent in gnomAD. Although we suspect that this variant may be benign, at this time, the clinical significance of this variant is uncertain due to the absence of conclusive functional and genetic evidence.

Labcorp Genetics (formerly Invitae), Labcorp
Classification: Benign for Kabuki syndrome. Last evaluated: 2025-03-20. Review status: criteria provided, single submitter. Criteria: Invitae Variant Classification Sherloc (09022015). Collection method: clinical testing. Allele origin: germline.

NM_003482.4(KMT2D):c.12085G>A (p.Val4029Ile)

Gene: KMT2D (lysine methyltransferase 2D; minus strand). Cytogenetic location: 12q13.12.
Variant type: single nucleotide variant.
Coding change: c.12085G>A on transcript NM_003482.4 (MANE Select); coding-DNA position 12085, G replaced by A.
Protein change: p.Val4029Ile; replaces valine 4029 with isoleucine.
Molecular consequence: missense variant.
Genome position (GRCh38, 1-based): chr12:49,032,620, C>T on the plus strand (G>A on the coding strand, the complement: KMT2D is on the minus strand). VCF-style: chr12-49032620-C-T. GRCh37 (hg19) VCF-style: chr12-49426403-C-T.
Other names: c.12085G>A (NM_003482.3); short protein forms V4029I.
Identifiers: ClinVar variation 1387635 (VCV001387635.9), dbSNP rs376131669, ClinGen allele CA6546248.
Genomic context (GRCh38, chr12:49,032,620, plus strand): 5'-ACGGCCCTCCCTGATGTGTAGAGGGCCCCTCAGTGGCCTCTGAAGAAACGGCTGGGTCTA[C>T]GGTGTTTTGTTCCTTGCCCGTCAGGAGGAGGGTTGGACCCAGGGCTCCAGGGCTAGAAAA-3'
Protein context (NP_003473.3, residues 4019-4039): LLLTGKEQNT[Val4029Ile]DPAVSSEATE